The following is an entry in ClinVar:

NM_000202.8(IDS):c.374A>T (p.Glu125Val)

Gene: IDS (iduronate 2-sulfatase; minus strand). Cytogenetic location: Xq28.
Variant type: single nucleotide variant.
Coding change: c.374A>T on transcript NM_000202.8 (MANE Select); coding-DNA position 374, A replaced by T.
Protein change: p.Glu125Val; replaces glutamic acid 125 with valine.
Molecular consequence: missense variant. On other transcripts: non-coding transcript variant (1).
Genome position (GRCh38, 1-based): chrX:149,503,356, T>A on the plus strand (A>T on the coding strand, the complement: IDS is on the minus strand). VCF-style: chrX-149503356-T-A. GRCh37 (hg19) VCF-style: chrX-148584886-T-A.
Other names: c.104A>T, p.Glu35Val (NM_001166550.4); c.374A>T, p.Glu125Val (NM_006123.5); short protein forms E125V, E35V.
Identifiers: ClinVar variation 3255689 (VCV003255689.2).
Genomic context (GRCh38, chrX:149,503,356, plus strand): 5'-GGACATGGAGCAGTACCAGGGTGAAAGACTTTTCCCACCGACATGGTCACATAGCCATTC[T>A]CCTTGAAGTACTGGGGGATGGTGGAGAAGTTTCCAGCGTGCACCCTCCAGTAGGAGTTGA-3'
Protein context (NP_000193.1, residues 115-135): NFSTIPQYFK[Glu125Val]NGYVTMSVGK

ClinVar aggregate classification (germline): Likely pathogenic (1 of 4 stars; one submission).

Conditions:
Mucopolysaccharidosis, MPS-II (MPS2). Also called: Hunter Syndrome; IDURONATE 2-SULFATASE DEFICIENCY; Mucopolysaccharidosis Type II; Mucopolysaccharidosis type 2; Attenuated MPS (subtype; formerly known as mild MPS II); Severe MPS II. Identifiers: Orphanet 580, Orphanet 79388, MedGen C0026705, MONDO:0010674, OMIM 309900.

Submission:

Laboratory of Diagnosis and Therapy of Lysosomal Disorders, University of Padova
Classification: Likely pathogenic for Mucopolysaccharidosis, MPS-II. Last evaluated: 2024-06-07. Review status: criteria provided, single submitter. Criteria: ACMG Guidelines, 2015. Collection method: literature only. Allele origin: germline. Affected: yes. Observed: 1 variant allele.
Comment: Absent from controls (or at low frequency) in gnomAD database (PM2_Moderate), Missense variant in a gene with a low rate of benign missense variation (PP2_Supporting), Multiple lines of computational evidence support a deleterious effect (PP3_Supporting), Patient’s phenotype or family history highly specific for the disease (PP4_Strong)

Classification method: ACMG Guidelines [PMID:25741868] with modifications

Literature cited by the submitters: PubMed 8940265.